The following is an entry in ClinVar:

ClinVar aggregate classification (germline): Uncertain significance (1 of 4 stars; one submission).

Conditions:
Congenital contractural arachnodactyly (CCA). Also called: Arthrogryposis, distal, type 9; BEALS SYNDROME; Beals-Hecht syndrome. Identifiers: Orphanet 115, MedGen C0220668, MONDO:0007363, OMIM 121050.

Allele frequency attached by ClinVar (database versions not stated): gnomAD exomes below 0.00001.
gnomAD v4.1: 1 of 1,612,956 alleles (0.000062%); highest among the groups gnomAD compares: African/African-American, 0.0013%; no homozygotes.

Submission:

Labcorp Genetics (formerly Invitae), Labcorp
Classification: Uncertain significance for Congenital contractural arachnodactyly. Last evaluated: 2022-10-08. Review status: criteria provided, single submitter. Criteria: Invitae Variant Classification Sherloc (09022015). Collection method: clinical testing. Allele origin: germline.
Comment: In summary, the available evidence is currently insufficient to determine the role of this variant in disease. Therefore, it has been classified as a Variant of Uncertain Significance. Advanced modeling of protein sequence and biophysical properties (such as structural, functional, and spatial information, amino acid conservation, physicochemical variation, residue mobility, and thermodynamic stability) performed at Invitae indicates that this missense variant is not expected to disrupt FBN2 protein function. This variant has not been reported in the literature in individuals affected with FBN2-related conditions. This variant is not present in population databases (gnomAD no frequency). This sequence change replaces isoleucine, which is neutral and non-polar, with methionine, which is neutral and non-polar, at codon 778 of the FBN2 protein (p.Ile778Met).

NM_001999.4(FBN2):c.2334A>G (p.Ile778Met)

Gene: FBN2 (fibrillin 2; minus strand). Cytogenetic location: 5q23.3.
Variant type: single nucleotide variant.
Coding change: c.2334A>G on transcript NM_001999.4 (MANE Select); coding-DNA position 2334, A replaced by G.
Protein change: p.Ile778Met; replaces isoleucine 778 with methionine.
Molecular consequence: missense variant.
Genome position (GRCh38, 1-based): chr5:128,364,694, T>C on the plus strand (A>G on the coding strand, the complement: FBN2 is on the minus strand). VCF-style: chr5-128364694-T-C. GRCh37 (hg19) VCF-style: chr5-127700387-T-C.
Other names: short protein forms I778M.
Identifiers: ClinVar variation 1911964 (VCV001911964.5), dbSNP rs2479346743, ClinGen allele CA360768406.
Genomic context (GRCh38, chr5:128,364,694, plus strand): 5'-GCCACTGTTGCAATTACAACGGTAACTACCACGTAAGTTTTCACAAATCCCATTGGCACA[T>C]ATATCAGGATCCAAAGCACATTCATTGATATCTGCATTAAATATTGAAAGTTTAGTGCTA-3'
Protein context (NP_001990.2, residues 768-788): DINECALDPD[Ile778Met]CANGICENLR